The following is an entry in ClinVar:

ClinVar aggregate classification (germline): Uncertain significance (1 of 4 stars; one submission).

Allele frequency attached by ClinVar (database versions not stated): gnomAD exomes below 0.00001.
gnomAD v4.1: 1 of 1,565,302 alleles (0.000064%); highest among the groups gnomAD compares: Non-Finnish European, 0.000086%; no homozygotes.

Submission:

Labcorp Genetics (formerly Invitae), Labcorp
Classification: Uncertain significance. Last evaluated: 2025-09-02. Review status: criteria provided, single submitter. Criteria: Invitae Variant Classification Sherloc (09022015). Collection method: clinical testing. Allele origin: germline.
Comment: This sequence change replaces lysine, which is basic and polar, with glutamic acid, which is acidic and polar, at codon 199 of the WHSC1 protein (p.Lys199Glu). This variant is not present in population databases (gnomAD no frequency). This variant has not been reported in the literature in individuals affected with WHSC1-related conditions. ClinVar contains an entry for this variant (Variation ID: 1971019). An algorithm developed to predict the effect of missense changes on protein structure and function (PolyPhen-2) suggests that this variant is likely to be tolerated. In summary, the available evidence is currently insufficient to determine the role of this variant in disease. Therefore, it has been classified as a Variant of Uncertain Significance.

NM_001042424.3(NSD2):c.595A>G (p.Lys199Glu)

Gene: NSD2 (nuclear receptor binding SET domain protein 2; plus strand). Cytogenetic location: 4p16.3.
Variant type: single nucleotide variant.
Coding change: c.595A>G on transcript NM_001042424.3 (MANE Select); coding-DNA position 595, A replaced by G.
Protein change: p.Lys199Glu; replaces lysine 199 with glutamic acid.
Molecular consequence: missense variant.
Genome position (GRCh38, 1-based): chr4:1,901,249, A>G. VCF-style: chr4-1901249-A-G. GRCh37 (hg19) VCF-style: chr4-1902976-A-G.
Other names: c.595A>G, p.Lys199Glu (NM_007331.2, NM_133330.3, NM_133331.3 and 2 more transcripts); short protein forms K199E.
Identifiers: ClinVar variation 1971019 (VCV001971019.5), dbSNP rs2474223087, ClinGen allele CA355994367.